The following is an entry in ClinVar:

ClinVar aggregate classification (germline): Uncertain significance. Review status: criteria provided, multiple submitters, no conflicts (2 of 4 stars). 2 submissions from 2 submitters: Uncertain significance (2). Last evaluated 2025-08-26.

Conditions:
Inborn genetic diseases. Identifiers: MedGen C0950123, MeSH D030342.

gnomAD v4.1: 13 of 1,613,976 alleles (0.00081%); highest among the groups gnomAD compares: Non-Finnish European, 0.0011%; no homozygotes.

Submissions (2):

Ambry Genetics
Classification: Uncertain significance for Inborn genetic diseases. Last evaluated: 2025-08-26. Review status: criteria provided, single submitter. Criteria: Ambry Variant Classification Scheme 2023. Collection method: clinical testing. Allele origin: germline.

Labcorp Genetics (formerly Invitae), Labcorp
Classification: Uncertain significance. Last evaluated: 2024-12-04. Review status: criteria provided, single submitter. Criteria: Invitae Variant Classification Sherloc (09022015). Collection method: clinical testing. Allele origin: germline.
Comment: This sequence change replaces isoleucine, which is neutral and non-polar, with asparagine, which is neutral and polar, at codon 190 of the SLC34A2 protein (p.Ile190Asn). This variant is not present in population databases (gnomAD no frequency). This variant has not been reported in the literature in individuals affected with SLC34A2-related conditions. Invitae Evidence Modeling of protein sequence and biophysical properties (such as structural, functional, and spatial information, amino acid conservation, physicochemical variation, residue mobility, and thermodynamic stability) has been performed for this missense variant. However, the output from this modeling did not meet the statistical confidence thresholds required to predict the impact of this variant on SLC34A2 protein function. In summary, the available evidence is currently insufficient to determine the role of this variant in disease. Therefore, it has been classified as a Variant of Uncertain Significance.

NM_006424.3(SLC34A2):c.569T>A (p.Ile190Asn)

Gene: SLC34A2 (solute carrier family 34 member 2; plus strand). Cytogenetic location: 4p15.2.
Variant type: single nucleotide variant.
Coding change: c.569T>A on transcript NM_006424.3 (MANE Select); coding-DNA position 569, T replaced by A.
Protein change: p.Ile190Asn; replaces isoleucine 190 with asparagine.
Molecular consequence: missense variant.
Genome position (GRCh38, 1-based): chr4:25,667,925, T>A. VCF-style: chr4-25667925-T-A. GRCh37 (hg19) VCF-style: chr4-25669547-T-A.
Other names: c.566T>A, p.Ile189Asn (NM_001177998.2, NM_001177999.2); c.569T>A (NM_006424.2); short protein forms I190N, I189N.
Identifiers: ClinVar variation 3686076 (VCV003686076.3).
Genomic context (GRCh38, chr4:25,667,925, plus strand): 5'-TTTTCCATCCTCTAGTGCTCACTGTTCGGGCTGCCATCCCCATTATCATGGGGGCCAACA[T>A]TGGAACGTCAATCACCAACACTATTGTTGCGCTCATGCAGGTGGGAGATCGGAGTGAGTT-3'
Protein context (NP_006415.3, residues 180-200): AAIPIIMGAN[Ile190Asn]GTSITNTIVA